The following is an entry in ClinVar:

ClinVar aggregate classification (germline): Uncertain significance (1 of 4 stars; one submission).

Conditions:
Hereditary cancer-predisposing syndrome. Also called: Neoplastic Syndromes, Hereditary; Tumor predisposition; Hereditary neoplastic syndrome; Hereditary Cancer Syndrome. Identifiers: Orphanet 140162, MedGen C0027672, MeSH D009386, MONDO:0015356.

Submission:

Ambry Genetics
Classification: Uncertain significance for Hereditary cancer-predisposing syndrome. Last evaluated: 2024-05-31. Review status: criteria provided, single submitter. Criteria: Ambry Variant Classification Scheme 2023. Collection method: clinical testing. Allele origin: germline.
Comment: The p.L113S variant (also known as c.338T>C), located in coding exon 3 of the TSC1 gene, results from a T to C substitution at nucleotide position 338. The leucine at codon 113 is replaced by serine, an amino acid with dissimilar properties. This amino acid position is conserved. In addition, this alteration is predicted to be deleterious by in silico analysis. Based on the available evidence, the clinical significance of this variant remains unclear.

NM_000368.5(TSC1):c.338T>C (p.Leu113Ser)

Gene: TSC1 (TSC complex subunit 1; minus strand). Cytogenetic location: 9q34.13.
Variant type: single nucleotide variant.
Coding change: c.338T>C on transcript NM_000368.5 (MANE Select); coding-DNA position 338, T replaced by C.
Protein change: p.Leu113Ser; replaces leucine 113 with serine.
Molecular consequence: missense variant. On other transcripts: 5 prime UTR variant (18), non-coding transcript variant (5), intron variant (5).
Genome position (GRCh38, 1-based): chr9:132,925,612, A>G on the plus strand (T>C on the coding strand, the complement: TSC1 is on the minus strand). VCF-style: chr9-132925612-A-G. GRCh37 (hg19) VCF-style: chr9-135800999-A-G.
Other names: c.338T>C, p.Leu113Ser (NM_001162426.2, NM_001406592.1, NM_001406593.1 and 16 more transcripts); c.-26T>C (NM_001362177.2, NM_001406617.1, NM_001406618.1 and 5 more transcripts); c.-118T>C (NM_001406614.1, NM_001406616.1, NM_001406624.1); c.-151T>C (NM_001406615.1, NM_001406623.1); c.-540T>C (NM_001406626.1, NM_001406627.1, NM_001406628.1); c.-682T>C (NM_001406629.1); c.-756T>C (NM_001406630.1); c.210+1589T>C (NM_001406613.1, NM_001406612.1, NM_001406610.1 and 2 more transcripts); short protein forms L113S.
Identifiers: ClinVar variation 3329444 (VCV003329444.1).